The following is an entry in ClinVar:

ClinVar aggregate classification (germline): Uncertain significance. Review status: criteria provided, multiple submitters, no conflicts (2 of 4 stars). 2 submissions from 2 submitters: Uncertain significance (2). Last evaluated 2024-01-12.

Conditions:
de Barsy syndrome. Also called: Cutis laxa-corneal clouding-oligophrenia syndrome. Identifiers: Orphanet 2962, MedGen C0268354, MONDO:0017569.
Cutis laxa, autosomal dominant 3 (ADCL3). Identifiers: Orphanet 90348, MedGen C4225268, MONDO:0014706, OMIM 616603.
Autosomal dominant spastic paraplegia type 9. Identifiers: MedGen C1832669, MONDO:0015091.

Allele frequency attached by ClinVar (database versions not stated): gnomAD 0.00001; gnomAD exomes 0.00001 and 0.00005; ExAC 0.00004.

Submissions (2):

Labcorp Genetics (formerly Invitae), Labcorp
Classification: Uncertain significance for Autosomal dominant spastic paraplegia type 9; de Barsy syndrome; Cutis laxa, autosomal dominant 3. Last evaluated: 2024-01-12. Review status: criteria provided, single submitter. Criteria: Invitae Variant Classification Sherloc (09022015). Collection method: clinical testing. Allele origin: germline.
Comment: This sequence change replaces arginine, which is basic and polar, with glutamine, which is neutral and polar, at codon 201 of the ALDH18A1 protein (p.Arg201Gln). This variant is present in population databases (rs757660360, gnomAD 0.01%). This variant has not been reported in the literature in individuals affected with ALDH18A1-related conditions. ClinVar contains an entry for this variant (Variation ID: 1342764). Advanced modeling of protein sequence and biophysical properties (such as structural, functional, and spatial information, amino acid conservation, physicochemical variation, residue mobility, and thermodynamic stability) performed at Invitae indicates that this missense variant is not expected to disrupt ALDH18A1 protein function with a negative predictive value of 95%. In summary, the available evidence is currently insufficient to determine the role of this variant in disease. Therefore, it has been classified as a Variant of Uncertain Significance.

GeneDx
Classification: Uncertain significance. Last evaluated: 2022-02-10. Review status: criteria provided, single submitter. Criteria: GeneDx Variant Classification Process June 2021. Collection method: clinical testing. Allele origin: germline. Affected: yes.
Comment: Has not been previously published as pathogenic or benign to our knowledge; In silico analysis supports that this missense variant does not alter protein structure/function

NM_002860.4(ALDH18A1):c.602G>A (p.Arg201Gln)

Gene: ALDH18A1 (aldehyde dehydrogenase 18 family member A1; minus strand). Cytogenetic location: 10q24.1.
Variant type: single nucleotide variant.
Coding change: c.602G>A on transcript NM_002860.4 (MANE Select); coding-DNA position 602, G replaced by A.
Protein change: p.Arg201Gln; replaces arginine 201 with glutamine.
Molecular consequence: missense variant. On other transcripts: 5 prime UTR variant (1).
Genome position (GRCh38, 1-based): chr10:95,633,606, C>T on the plus strand (G>A on the coding strand, the complement: ALDH18A1 is on the minus strand). VCF-style: chr10-95633606-C-T. GRCh37 (hg19) VCF-style: chr10-97393363-C-T.
Other names: c.602G>A, p.Arg201Gln (NM_001017423.2, NM_001323413.2, NM_001323414.2 and 1 more transcripts); c.269G>A, p.Arg90Gln (NM_001323412.2, NM_001323416.2, NM_001323418.2); c.497G>A, p.Arg166Gln (NM_001323417.2); c.-35G>A (NM_001323419.2); short protein forms R166Q, R201Q, R90Q.
Identifiers: ClinVar variation 1342764 (VCV001342764.6), dbSNP rs757660360, ClinGen allele CA5620563.